The following is an entry in ClinVar:

NM_198428.3(BBS9):c.466T>C (p.Ser156Pro)

Gene: BBS9 (Bardet-Biedl syndrome 9; plus strand). Cytogenetic location: 7p14.3.
Variant type: single nucleotide variant.
Coding change: c.466T>C on transcript NM_198428.3 (MANE Select); coding-DNA position 466, T replaced by C.
Protein change: p.Ser156Pro; replaces serine 156 with proline.
Molecular consequence: missense variant. On other transcripts: non-coding transcript variant (3).
Genome position (GRCh38, 1-based): chr7:33,257,259, T>C. VCF-style: chr7-33257259-T-C. GRCh37 (hg19) VCF-style: chr7-33296871-T-C.
Other names: c.466T>C, p.Ser156Pro (NM_001033604.2, NM_001033605.2, NM_001348036.1 and 5 more transcripts); c.100T>C, p.Ser34Pro (NM_001348037.3, NM_001348044.3, NM_001348045.3 and 1 more transcripts); c.193T>C, p.Ser65Pro (NM_001348038.3, NM_001348039.3); c.331T>C, p.Ser111Pro (NM_001348042.3); short protein forms S111P, S156P, S34P, S65P.
Identifiers: ClinVar variation 3347736 (VCV003347736.1).
Genomic context (GRCh38, chr7:33,257,259, plus strand): 5'-AGAATAGATTATCTAATTTTCTCTAATTCTTCTTTAGGTCGAGATTTAATTTGCATCCAG[T>C]CTATGGATGGGATGCTGATGGTATTTGAGCAGGAGAGCTATGCTTTTGGAAGATTTCTCC-3'
Protein context (NP_940820.1, residues 146-166): VKGRDLICIQ[Ser156Pro]MDGMLMVFEQ

ClinVar aggregate classification (germline): Uncertain significance (0 of 4 stars; one submission).

Conditions:
BBS9-related disorder. Also called: BBS9-related condition.

Submission:

PreventionGenetics, part of Exact Sciences
Classification: Uncertain significance for BBS9-related condition. Last evaluated: 2024-05-23. Review status: no assertion criteria provided. Collection method: clinical testing. Allele origin: germline.
Comment: The BBS9 c.466T>C variant is predicted to result in the amino acid substitution p.Ser156Pro. To our knowledge, this variant has not been reported in the literature or in a large population database, indicating this variant is rare. At this time, the clinical significance of this variant is uncertain due to the absence of conclusive functional and genetic evidence.